The following is an entry in ClinVar:

NM_206933.4(USH2A):c.3158-6A>G

Genes: USH2A (usherin; minus strand), USH2A-AS1 (USH2A antisense RNA 1; plus strand). Cytogenetic location: 1q41.
Variant type: single nucleotide variant.
Coding change: c.3158-6A>G on transcript NM_206933.4 (MANE Select); 6 bases into the intron before coding-DNA position 3158, A replaced by G.
Molecular consequence: intron variant.
Genome position (GRCh38, 1-based): chr1:216,207,437, T>C on the plus strand (A>G on the coding strand, the complement: USH2A is on the minus strand). VCF-style: chr1-216207437-T-C. GRCh37 (hg19) VCF-style: chr1-216380779-T-C.
Other names: c.3158-6A>G (NM_007123.6).
Identifiers: ClinVar variation 48497 (VCV000048497.8), dbSNP rs397518010, ClinGen allele CA143458.
Genomic context (GRCh38, chr1:216,207,437, plus strand): 5'-TTGATAGCAGAAGAACTTTGAACTTGTCCTCTGGGCGGAGGTTGCTGGAATGGAGCTAAA[T>C]TACAATGAAGAGAGCATTTATTAGCAAAGCAATCAATAAACAGAAAAGCAAACTGAAGTA-3'

ClinVar aggregate classification (germline): Likely pathogenic. Review status: criteria provided, multiple submitters, no conflicts (2 of 4 stars). 4 submissions from 4 submitters: Likely pathogenic (3). 1 of the submissions does not count toward it. Last evaluated 2024-09-10.

Conditions:
Rare genetic deafness. Identifiers: Orphanet 96210, MedGen C5680250.
Usher syndrome. Also called: Usher's syndrome; Usher Syndromes. Identifiers: Orphanet 886, MedGen CN469326, MeSH D052245, MONDO:0019501. Disease mechanism: loss of function.
Retinitis pigmentosa 39 (RP39). Identifiers: Orphanet 791, MedGen C3151138, MONDO:0013436, OMIM 613809.

Allele frequency attached by ClinVar (database versions not stated): gnomAD exomes below 0.00001.
gnomAD v4.1: 2 of 1,613,862 alleles (0.00012%); highest among the groups gnomAD compares: Non-Finnish European, 0.00017%; no homozygotes.

Submissions (4):

North West Genomic Laboratory Hub, Manchester University NHS Foundation Trust
Classification: Likely pathogenic for Retinitis pigmentosa 39. Last evaluated: 2024-09-10. Review status: criteria provided, single submitter. Criteria: ACGS Best Practice Guidelines for Variant Classification in Rare Disease 2020. Collection method: clinical testing. Allele origin: germline. Affected: yes.
Comment: PM2_Mod PM3_Str PP3_Supp

Baylor Genetics
Classification: Likely pathogenic for Retinitis pigmentosa 39. Last evaluated: 2022-03-30. Review status: criteria provided, single submitter. Criteria: ACMG Guidelines, 2015. Collection method: clinical testing. Allele origin: unknown.

Laboratory for Molecular Medicine, Mass General Brigham Personalized Medicine
Classification: Likely pathogenic for Rare genetic deafness. Last evaluated: 2018-06-21. Review status: criteria provided, single submitter. Criteria: LMM Criteria. Collection method: clinical testing. Allele origin: germline. Inheritance: Autosomal recessive inheritance. Observed: 2 variant alleles.
Comment: The c.3158-6A>G variant in USH2A has been reported in two individuals with Usher syndrome who were each compound heterozygous with another truncating variant in USH2A (Carss 2017, LMM unpublished data). This variant was absent from large p opulation databases. Splice prediction tools suggest that this variant may disru pt the native 3' splice site and produce a new splice site 5 base pairs upstream , which would result on a frameshift. In summary, although additional studies ar e required to fully establish its clinical significance, this variant is likely pathogenic. ACMG/AMP criteria applied: PM3_Strong, PM2, PP3, PP4.

NIHR Bioresource Rare Diseases, University of Cambridge
Classification: Likely pathogenic for Usher syndrome. Last evaluated: 2015-01-01. Review status: no assertion criteria provided. Collection method: research. Allele origin: unknown. Affected: yes. Observed: 1 variant allele. Not counted in ClinVar's aggregate classification.

Literature cited by the submitters: PubMed 28041643 (cited by 3 submitters); PubMed 32581362 (cited by North West Genomic Laboratory Hub, Manchester University NHS Foundation Trust); PubMed 38219857 (cited by North West Genomic Laboratory Hub, Manchester University NHS Foundation Trust).